The following is an entry in ClinVar:

ClinVar aggregate classification (germline): Benign (1 of 4 stars; one submission).

Allele frequency attached by ClinVar (database versions not stated): 1000 Genomes Project 30x 0.78106; 1000 Genomes Project 0.78411; TOPMed 0.81929; gnomAD 0.85747.

Submission:

GeneDx
Classification: Benign. Last evaluated: 2018-06-14. Review status: criteria provided, single submitter. Criteria: GeneDx Variant Classification (06012015). Collection method: clinical testing. Allele origin: germline. Affected: yes.
Comment: This variant is considered likely benign or benign based on one or more of the following criteria: it is a conservative change, it occurs at a poorly conserved position in the protein, it is predicted to be benign by multiple in silico algorithms, and/or has population frequency not consistent with disease.

NM_002547.3(OPHN1):c.154+196T>C

Gene: OPHN1 (oligophrenin 1; minus strand). Cytogenetic location: Xq12.
Variant type: single nucleotide variant.
Coding change: c.154+196T>C on transcript NM_002547.3 (MANE Select); 196 bases into the intron after coding-DNA position 154, T replaced by C.
Molecular consequence: intron variant.
Genome position (GRCh38, 1-based): chrX:68,432,671, A>G on the plus strand (T>C on the coding strand, the complement: OPHN1 is on the minus strand). VCF-style: chrX-68432671-A-G. GRCh37 (hg19) VCF-style: chrX-67652513-A-G.
Identifiers: ClinVar variation 667769 (VCV000667769.1), dbSNP rs5919563, ClinGen allele CA330835077.
Genomic context (GRCh38, chrX:68,432,671, plus strand): 5'-AGCAAGAGGGTCCCTGGCACAGCTACGGATCACGTCTTATAAGGTCAAAACCACTAAAGG[A>G]AAAGGCCCAAAGTTCTGGTTGTATCCACCACTTTCCACTTCTACTATCTCCACTCCCCAA-3'